The following is an entry in ClinVar:

ClinVar aggregate classification (germline): Conflicting classifications of pathogenicity. Review status: criteria provided, conflicting classifications (1 of 4 stars). 2 submissions from 2 submitters: Uncertain significance (1); Likely benign (1). Last evaluated 2025-09-01.

Conditions:
Inborn genetic diseases. Identifiers: MedGen C0950123, MeSH D030342.

gnomAD v4.1: 12 of 1,512,450 alleles (0.00079%); highest among the groups gnomAD compares: Non-Finnish European, 0.0011%; no homozygotes.

Submissions (2):

CeGaT Center for Human Genetics Tuebingen
Classification: Likely benign. Last evaluated: 2025-09-01. Review status: criteria provided, single submitter. Criteria: CeGaT Center For Human Genetics Tuebingen Variant Classification Criteria Version 2. Collection method: clinical testing. Allele origin: germline. Affected: yes. Observed: 1 variant allele.
Comment: SRRM2: BP4, BS2

Ambry Genetics
Classification: Uncertain significance for Inborn genetic diseases. Last evaluated: 2023-01-10. Review status: criteria provided, single submitter. Criteria: Ambry Variant Classification Scheme 2023. Collection method: clinical testing. Allele origin: germline.

NM_016333.4(SRRM2):c.1051A>G (p.Ser351Gly)

Gene: SRRM2 (serine/arginine repetitive matrix 2; plus strand). Cytogenetic location: 16p13.3.
Variant type: single nucleotide variant.
Coding change: c.1051A>G on transcript NM_016333.4 (MANE Select); coding-DNA position 1051, A replaced by G.
Protein change: p.Ser351Gly; replaces serine 351 with glycine.
Molecular consequence: missense variant.
Genome position (GRCh38, 1-based): chr16:2,761,579, A>G. VCF-style: chr16-2761579-A-G. GRCh37 (hg19) VCF-style: chr16-2811580-A-G.
Other names: short protein forms S351G.
Identifiers: ClinVar variation 2475088 (VCV002475088.9), dbSNP rs755950417, ClinGen allele CA276871635.
Genomic context (GRCh38, chr16:2,761,579, plus strand): 5'-GCGTTTATGAATCCCTATCCCTGCTCTCTCTTCCACTCTTAGAAATCTGCAACTCGACCT[A>G]GCCCCTCTCCGGAAAGGAGCAGCACAGGCCCAGAACCACCTGCTCCCACTCCGCTCCTTG-3'
Protein context (NP_057417.3, residues 341-361): DKKEKSATRP[Ser351Gly]PSPERSSTGP